The following is an entry in ClinVar:

NM_020778.5(ALPK3):c.4241G>T (p.Gly1414Val)

Gene: ALPK3 (alpha kinase 3; plus strand). Cytogenetic location: 15q25.3.
Variant type: single nucleotide variant.
Coding change: c.4241G>T on transcript NM_020778.5 (MANE Select); coding-DNA position 4241, G replaced by T.
Protein change: p.Gly1414Val; replaces glycine 1414 with valine.
Molecular consequence: missense variant.
Genome position (GRCh38, 1-based): chr15:84,862,746, G>T. VCF-style: chr15-84862746-G-T. GRCh37 (hg19) VCF-style: chr15-85405977-G-T.
Other names: short protein forms G1414V.
Identifiers: ClinVar variation 2797183 (VCV002797183.3), dbSNP rs762937166, ClinGen allele CA393362873.

ClinVar aggregate classification (germline): Uncertain significance (1 of 4 stars; one submission).

gnomAD v4.1: 4 of 1,614,176 alleles (0.00025%); highest among the groups gnomAD compares: Non-Finnish European, 0.00034%; no homozygotes.

Submission:

Labcorp Genetics (formerly Invitae), Labcorp
Classification: Uncertain significance. Last evaluated: 2024-04-16. Review status: criteria provided, single submitter. Criteria: Invitae Variant Classification Sherloc (09022015). Collection method: clinical testing. Allele origin: germline.
Comment: This sequence change replaces glycine, which is neutral and non-polar, with valine, which is neutral and non-polar, at codon 1616 of the ALPK3 protein (p.Gly1616Val). This variant is not present in population databases (gnomAD no frequency). This variant has not been reported in the literature in individuals affected with ALPK3-related conditions. An algorithm developed to predict the effect of missense changes on protein structure and function (PolyPhen-2) suggests that this variant is likely to be tolerated. In summary, the available evidence is currently insufficient to determine the role of this variant in disease. Therefore, it has been classified as a Variant of Uncertain Significance.